The following is an entry in ClinVar:

ClinVar aggregate classification (germline): Likely benign. Review status: criteria provided, multiple submitters, no conflicts (2 of 4 stars). 2 submissions from 2 submitters: Likely benign (2). Last evaluated 2025-03-30.

Allele frequency attached by ClinVar (database versions not stated): ESP Exome Variant Server 0.00008; gnomAD exomes 0.00001 and 0.00003; ExAC 0.00002; TOPMed 0.00003; gnomAD 0.00005.
gnomAD v4.1: 51 of 1,614,110 alleles (0.0032%); highest among the groups gnomAD compares: African/African-American, 0.004%; no homozygotes.

Submissions (2):

Labcorp Genetics (formerly Invitae), Labcorp
Classification: Likely benign. Last evaluated: 2025-03-30. Review status: criteria provided, single submitter. Criteria: Invitae Variant Classification Sherloc (09022015). Collection method: clinical testing. Allele origin: germline.

GeneDx
Classification: Likely benign. Last evaluated: 2016-03-25. Review status: criteria provided, single submitter. Criteria: GeneDx Variant Classification (06012015). Collection method: clinical testing. Allele origin: germline. Affected: yes.
Comment: This variant is considered likely benign or benign based on one or more of the following criteria: it is a conservative change, it occurs at a poorly conserved position in the protein, it is predicted to be benign by multiple in silico algorithms, and/or has population frequency not consistent with disease.

NM_001291303.3(FAT4):c.4530T>C (p.Tyr1510=)

Gene: FAT4 (FAT atypical cadherin 4; plus strand). Cytogenetic location: 4q28.1.
Variant type: single nucleotide variant.
Coding change: c.4530T>C on transcript NM_001291303.3 (MANE Select); coding-DNA position 4530, T replaced by C.
Protein change: p.Tyr1510=; no amino-acid change (tyrosine 1510 retained).
Molecular consequence: synonymous variant.
Genome position (GRCh38, 1-based): chr4:125,320,941, T>C. VCF-style: chr4-125320941-T-C. GRCh37 (hg19) VCF-style: chr4-126242096-T-C.
Other names: c.4530T>C, p.Tyr1510= (NM_001291285.3, NM_024582.6).
Identifiers: ClinVar variation 384870 (VCV000384870.2), dbSNP rs368207419, ClinGen allele CA3072479.